The following is an entry in ClinVar:

ClinVar aggregate classification (germline): Likely benign. Review status: criteria provided, multiple submitters, no conflicts (2 of 4 stars). 2 submissions from 2 submitters: Likely benign (2). Last evaluated 2022-12-15.

Conditions:
Familial focal epilepsy with variable foci (FPEVF). Identifiers: Orphanet 98820, MedGen C1858477, MONDO:0020310.

gnomAD v4.1: 3 of 1,613,974 alleles (0.00019%); highest among the groups gnomAD compares: Non-Finnish European, 0.00025%; no homozygotes.

Submissions (2):

Labcorp Genetics (formerly Invitae), Labcorp
Classification: Likely benign for Familial focal epilepsy with variable foci. Last evaluated: 2022-12-15. Review status: criteria provided, single submitter. Criteria: Invitae Variant Classification Sherloc (09022015). Collection method: clinical testing. Allele origin: germline.

CeGaT Center for Human Genetics Tuebingen
Classification: Likely benign. Last evaluated: 2022-10-01. Review status: criteria provided, single submitter. Criteria: CeGaT Center For Human Genetics Tuebingen Variant Classification Criteria Version 2. Collection method: clinical testing. Allele origin: germline. Affected: yes. Observed: 1 variant allele.
Comment: DEPDC5: PM2:Supporting, BP4, BP7

NM_001242896.3(DEPDC5):c.138T>C (p.Asp46=)

Gene: DEPDC5 (DEP domain containing 5, GATOR1 subcomplex subunit; plus strand). Cytogenetic location: 22q12.2.
Variant type: single nucleotide variant.
Coding change: c.138T>C on transcript NM_001242896.3 (MANE Select); coding-DNA position 138, T replaced by C.
Protein change: p.Asp46=; no amino-acid change (aspartic acid 46 retained).
Molecular consequence: synonymous variant. On other transcripts: non-coding transcript variant (5).
Genome position (GRCh38, 1-based): chr22:31,758,625, T>C. VCF-style: chr22-31758625-T-C. GRCh37 (hg19) VCF-style: chr22-32154611-T-C.
Other names: c.138T>C, p.Asp46= (NM_001007188.4, NM_001136029.4, NM_001242897.2 and 9 more transcripts).
Identifiers: ClinVar variation 2653074 (VCV002653074.27), dbSNP rs535630975, ClinGen allele CA514260918.